The following is an entry in ClinVar:

NM_201525.4(ADGRG1):c.157G>C (p.Asp53His)

Gene: ADGRG1 (adhesion G protein-coupled receptor G1; plus strand). Cytogenetic location: 16q21.
Variant type: single nucleotide variant.
Coding change: c.157G>C on transcript NM_201525.4 (MANE Select); coding-DNA position 157, G replaced by C.
Protein change: p.Asp53His; replaces aspartic acid 53 with histidine.
Molecular consequence: missense variant. On other transcripts: 5 prime UTR variant (5), intron variant (2).
Genome position (GRCh38, 1-based): chr16:57,651,292, G>C. VCF-style: chr16-57651292-G-C. GRCh37 (hg19) VCF-style: chr16-57685204-G-C.
Other names: c.157G>C, p.Asp53His (NM_001145770.3, NM_001145771.3, NM_001145772.3 and 16 more transcripts); c.172G>C, p.Asp58His (NM_001145773.3, NM_001370433.1); c.-369G>C (NM_001290143.2, NM_001290144.2, NM_001370451.1 and 2 more transcripts); c.110+47G>C (NM_001290142.2); c.65-64G>C (NM_001370442.1); c.157G>C (NM_005682.5); short protein forms D53H, D58H.
Identifiers: ClinVar variation 1017436 (VCV001017436.7), dbSNP rs758040938, ClinGen allele CA8078299.

ClinVar aggregate classification (germline): Uncertain significance. Review status: criteria provided, multiple submitters, no conflicts (2 of 4 stars). 4 submissions from 4 submitters: Uncertain significance (3). 1 of the submissions does not count toward it. Last evaluated 2026-01-19.

Conditions:
Inborn genetic diseases. Identifiers: MedGen C0950123, MeSH D030342.
Bilateral frontoparietal polymicrogyria. Also called: CEREBELLAR ATAXIA WITH NEURONAL MIGRATION DEFECT; CORTICAL DYSPLASIA, COMPLEX, WITH OTHER BRAIN MALFORMATIONS 14A (BILATERAL FRONTOPARIETAL). Identifiers: Orphanet 101070, MedGen C1847352, MONDO:0011738, OMIM 606854.

Allele frequency attached by ClinVar (database versions not stated): gnomAD exomes 0.00001; ExAC 0.00002.
gnomAD v4.1: 5 of 1,614,106 alleles (0.00031%); highest among the groups gnomAD compares: Admixed American, 0.0083%; no homozygotes.

Submissions (4):

Labcorp Genetics (formerly Invitae), Labcorp
Classification: Uncertain significance. Last evaluated: 2026-01-19. Review status: criteria provided, single submitter. Criteria: Invitae Variant Classification Sherloc (09022015). Collection method: clinical testing. Allele origin: germline.
Comment: This sequence change replaces aspartic acid, which is acidic and polar, with histidine, which is basic and polar, at codon 53 of the ADGRG1 protein (p.Asp53His). This variant is present in population databases (rs758040938, gnomAD 0.009%). This variant has not been reported in the literature in individuals affected with ADGRG1-related conditions. ClinVar contains an entry for this variant (Variation ID: 1017436). Invitae Evidence Modeling of protein sequence and biophysical properties (such as structural, functional, and spatial information, amino acid conservation, physicochemical variation, residue mobility, and thermodynamic stability) indicates that this missense variant is not expected to disrupt ADGRG1 protein function with a negative predictive value of 95%. In summary, the available evidence is currently insufficient to determine the role of this variant in disease. Therefore, it has been classified as a Variant of Uncertain Significance.

Ambry Genetics
Classification: Uncertain significance for Inborn genetic diseases. Last evaluated: 2024-06-03. Review status: criteria provided, single submitter. Criteria: Ambry Variant Classification Scheme 2023. Collection method: clinical testing. Allele origin: germline.

GeneDx
Classification: Uncertain significance. Last evaluated: 2022-02-11. Review status: criteria provided, single submitter. Criteria: GeneDx Variant Classification Process June 2021. Collection method: clinical testing. Allele origin: germline. Affected: yes.
Comment: Not observed at significant frequency in large population cohorts (gnomAD); In silico analysis supports that this missense variant has a deleterious effect on protein structure/function; Has not been previously published as pathogenic or benign to our knowledge

Natera, Inc.
Classification: Uncertain significance for Bilateral frontoparietal polymicrogyria. Last evaluated: 2021-02-26. Review status: no assertion criteria provided. Collection method: clinical testing. Allele origin: germline. Not counted in ClinVar's aggregate classification.